The following is an entry in ClinVar:

NM_001099857.5(IKBKG):c.470A>C (p.Gln157Pro)

Gene: IKBKG (inhibitor of nuclear factor kappa B kinase regulatory subunit gamma; plus strand). Cytogenetic location: Xq28.
Variant type: single nucleotide variant.
Coding change: c.470A>C on transcript NM_001099857.5 (MANE Select); coding-DNA position 470, A replaced by C.
Protein change: p.Gln157Pro; replaces glutamine 157 with proline.
Molecular consequence: missense variant. On other transcripts: intron variant (1).
Genome position (GRCh38, 1-based): chrX:154,558,602, A>C. VCF-style: chrX-154558602-A-C. GRCh37 (hg19) VCF-style: chrX-153786817-A-C.
Other names: c.674A>C, p.Gln225Pro (NM_001099856.6); c.470A>C, p.Gln157Pro (NM_001145255.4, NM_001321396.3, NM_001377312.1 and 1 more transcripts); c.467A>C, p.Gln156Pro (NM_001321397.3, NM_001377313.1, NM_001377314.1); c.399+2226A>C (NM_001377315.1); short protein forms Q157P, Q156P, Q225P.
Identifiers: ClinVar variation 36382 (VCV000036382.4), dbSNP rs386134240, ClinGen allele CA214035.
Genomic context (GRCh38, chrX:154,558,602, plus strand): 5'-AGGACAAGGCCTCTGTGAAAGCCCAGGTGACGTCCTTGCTCGGGGAGCTGCAGGAGAGCC[A>C]GAGTCGCTTGGAGGCTGCCACTAAGGAATGCCAGGCTCTGGAGGGTCGGTGAGTCGGGGG-3'
Protein context (NP_001093327.1, residues 147-167): TSLLGELQES[Gln157Pro]SRLEAATKEC

ClinVar aggregate classification (germline): Conflicting classifications of pathogenicity. Review status: criteria provided, conflicting classifications (1 of 4 stars). 2 submissions from 2 submitters: Likely pathogenic (1); Uncertain significance (1). Last evaluated 2026-02-20.

Conditions:
Ectodermal dysplasia and immunodeficiency 1 (EDAID1). Also called: Hyper-IgM immunodeficiency, X-linked, with hypohidrotic ectodermal dysplasia; ECTODERMAL DYSPLASIA AND IMMUNE DEFICIENCY 1; ECTODERMAL DYSPLASIA, ANHIDROTIC, WITH IMMUNE DEFICIENCY. Identifiers: Orphanet 238468, Orphanet 98813, MedGen C1846008, MONDO:0020740, OMIM 300291.

Submissions (2):

GeneDx
Classification: Uncertain significance. Last evaluated: 2026-02-20. Review status: criteria provided, single submitter. Criteria: GeneDx Variant Classification Process June 2021. Collection method: clinical testing. Allele origin: germline.
Comment: In silico analysis supports that this missense variant has a deleterious effect on protein structure/function; No data available from control populations to assess the frequency of this variant; This variant is associated with the following publications: (PMID: 40612668, 23405946)

Women's Health and Genetics/Laboratory Corporation of America, LabCorp
Classification: Likely pathogenic for Hypohidrotic Ectodermal Dysplasia with Immune Deficiency. Last evaluated: 2011-08-18. Review status: criteria provided, single submitter. Criteria: LabCorp Variant Classification Summary - May 2015. Collection method: curation, clinical testing. Allele origin: germline. Inheritance: Xlinked unknown. Affected: yes.
ClinVar note: Converted during submission from likely pathogenic to Likely pathogenic.